The following is an entry in ClinVar:

ClinVar aggregate classification (germline): Likely pathogenic (1 of 4 stars; one submission).

Conditions:
TCOF1-related disorder. Also called: TCOF1-related condition.

Submission:

PreventionGenetics, part of Exact Sciences
Classification: Likely pathogenic for TCOF1-related condition. Last evaluated: 2025-03-28. Review status: criteria provided, single submitter. Criteria: ACMG Guidelines, 2015. Collection method: clinical testing. Allele origin: germline.
Comment: The TCOF1 c.4231delC variant is predicted to result in a frameshift and premature protein termination (p.Gln1411Lysfs*164). To our knowledge, this variant has not been reported in the literature or in a large population database (gnomAD), indicating this variant is rare. Frameshift variants in TCOF1 are expected to be pathogenic. This variant is interpreted as likely pathogenic.

NM_001371623.1(TCOF1):c.4234del (p.Gln1412fs)

Gene: TCOF1 (treacle ribosome biogenesis factor 1; plus strand). Cytogenetic location: 5q32.
Variant type: Deletion.
Coding change: c.4234del on transcript NM_001371623.1 (MANE Select); coding-DNA position 4234, one base deleted (C; older notation c.4234delC).
Protein change: p.Gln1412fs; shifts the reading frame from glutamine 1412.
Molecular consequence: frameshift variant.
Genome position (GRCh38, 1-based): chr5:150,396,731, C deleted; the last of 3 consecutive C bases (chr5:150,396,729-150,396,731); deleting any one gives the same sequence. VCF-style (leftmost placement, unchanged base first): chr5-150396728-TC-T. GRCh37 (hg19) VCF-style: chr5-149776291-TC-T.
Other names: c.4000del, p.Gln1334fs (NM_000356.4, NM_001437406.1); c.4231del, p.Gln1411fs (NM_001135243.2); c.4120del, p.Gln1374fs (NM_001135244.2); c.4003del, p.Gln1335fs (NM_001135245.2); c.4117del, p.Gln1373fs (NM_001195141.2); short protein forms Q1334fs, Q1335fs, Q1411fs, Q1412fs, Q1373fs, Q1374fs.
Identifiers: ClinVar variation 4997665 (VCV004997665.1).
Genomic context (GRCh38, chr5:150,396,728, plus strand): 5'-GCAAAGAGAGACAAAGCAAGTGGTGATGTCAAGGAGAAGAAAGGGAAGGGGTCTCTTGGC[TC>T]CCAAGGGGCCAAGGACGAGCCAGAAGAGGAGCTTCAGAAGGGGATGGGGACGGTTGAAGG-3'